The following is an entry in ClinVar:

ClinVar aggregate classification (germline): Pathogenic (1 of 4 stars; one submission).

Conditions:
Breast-ovarian cancer, familial, susceptibility to, 1 (BROVCA1). Also called: BRCA1 Hereditary Breast and Ovarian Cancer; OVARIAN CANCER, SUSCEPTIBILITY TO. Identifiers: Orphanet 145, MedGen C2676676, MONDO:0011450, OMIM 604370. Disease mechanism: loss of function.

Submission:

Myriad Genetics, Inc.
Classification: Pathogenic for Breast-ovarian cancer, familial, susceptibility to, 1. Last evaluated: 2025-07-21. Review status: criteria provided, single submitter. Criteria: Myriad Autosomal Dominant, Autosomal Recessive and X-Linked Classification Criteria (2023). Collection method: clinical testing. Allele origin: unknown.
Comment: This variant is considered pathogenic. This variant creates a frameshift predicted to result in premature protein truncation.

NM_007294.4(BRCA1):c.3717_3718del (p.Gln1240fs)

Genes: BRCA1 (BRCA1 DNA repair associated; minus strand), LOC126862571 (BRD4-independent group 4 enhancer GRCh37_chr17:41243136-41244335; plus strand). Cytogenetic location: 17q21.31.
Variant type: Microsatellite.
Coding change: c.3717_3718del on transcript NM_007294.4 (MANE Select); coding-DNA positions 3717 to 3718, 2 bases deleted (TC; older notation c.3717_3718delTC).
Protein change: p.Gln1240fs; shifts the reading frame from glutamine 1240.
Molecular consequence: frameshift variant. On other transcripts: intron variant (135).
Genome position (GRCh38, 1-based): chr17:43,091,813-43,091,814, GA deleted on the plus strand (TC on the coding strand, the reverse complement: BRCA1 is on the minus strand); deleting any 2 consecutive bases within chr17:43,091,813-43,091,816 gives the same sequence; the c. name uses the placement nearest the transcript's 3' end. VCF-style (leftmost placement, unchanged base first): chr17-43091812-TGA-T. GRCh37 (hg19) VCF-style: chr17-41243829-TGA-T.
Other names: c.3576_3577del, p.Gln1193fs (NM_001407730.1, NM_001407731.1, NM_001407732.1 and 29 more transcripts); c.3573_3574del, p.Gln1192fs (NM_001407740.1, NM_001407741.1, NM_001407742.1 and 20 more transcripts); c.3504_3505del, p.Gln1169fs (NM_001407853.1, NM_001407894.1, NM_001407895.1 and 9 more transcripts); c.3717_3718del, p.Gln1240fs (NM_001407854.1, NM_001407858.1, NM_001407859.1 and 30 more transcripts); c.3714_3715del, p.Gln1239fs (NM_001407860.1, NM_001407861.1, NM_001407632.1 and 22 more transcripts); c.3516_3517del, p.Gln1173fs (NM_001407862.1); c.3594_3595del, p.Gln1199fs (NM_001407863.1, NM_001407919.1, NM_001407937.1 and 19 more transcripts); c.3513_3514del, p.Gln1172fs (NM_001407874.1, NM_001407875.1); and 41 more; short protein forms Q1072fs, Q1112fs, Q1113fs, Q1128fs, Q1129fs, Q1151fs, Q1152fs, Q1169fs.
Identifiers: ClinVar variation 4294238 (VCV004294238.1).